The following is an entry in ClinVar:

NM_170707.4(LMNA):c.313G>A (p.Glu105Lys)

Gene: LMNA (lamin A/C; plus strand). Cytogenetic location: 1q22.
Variant type: single nucleotide variant.
Coding change: c.313G>A on transcript NM_170707.4 (MANE Select); coding-DNA position 313, G replaced by A.
Protein change: p.Glu105Lys; replaces glutamic acid 105 with lysine.
Molecular consequence: missense variant. On other transcripts: 5 prime UTR variant (8), intron variant (2).
Genome position (GRCh38, 1-based): chr1:156,115,231, G>A. VCF-style: chr1-156115231-G-A. GRCh37 (hg19) VCF-style: chr1-156085022-G-A.
Other names: c.313G>A, p.Glu105Lys (NM_001282625.2, NM_001282626.2, NM_001406983.1 and 6 more transcripts); c.-111G>A (NM_001406986.1); c.-89G>A (NM_001406990.1, NM_001406995.1, NM_001407002.1); c.-352G>A (NM_001406994.1, NM_001407000.1); c.-532G>A (NM_001406999.1); c.-195G>A (NM_001407001.1); c.-203+8408G>A (NM_001406993.1, NM_001407003.1); c.313G>A (NM_170707.3); short protein forms E105K.
Identifiers: ClinVar variation 2452986 (VCV002452986.6), dbSNP rs2527834482, ClinGen allele CA342808740.

ClinVar aggregate classification (germline): Conflicting classifications of pathogenicity. Review status: criteria provided, conflicting classifications (1 of 4 stars). 4 submissions from 4 submitters: Likely pathogenic (1); Uncertain significance (3). Last evaluated 2025-08-20.

Conditions:
Charcot-Marie-Tooth disease type 2. Also called: Charcot-Marie-Tooth type 2. Identifiers: Orphanet 64746, MedGen C0270914, MONDO:0018993.
Cardiovascular phenotype. Identifiers: MedGen CN230736.
Dilated and arrhythmogenic cardiomyopathy.

Submissions (4):

Labcorp Genetics (formerly Invitae), Labcorp
Classification: Uncertain significance for Charcot-Marie-Tooth disease type 2. Last evaluated: 2025-08-20. Review status: criteria provided, single submitter. Criteria: Invitae Variant Classification Sherloc (09022015). Collection method: clinical testing. Allele origin: germline.
Comment: This sequence change replaces glutamic acid, which is acidic and polar, with lysine, which is basic and polar, at codon 105 of the LMNA protein (p.Glu105Lys). This variant is not present in population databases (gnomAD no frequency). This variant has not been reported in the literature in individuals affected with LMNA-related conditions. ClinVar contains an entry for this variant (Variation ID: 2452986). Invitae Evidence Modeling of protein sequence and biophysical properties (such as structural, functional, and spatial information, amino acid conservation, physicochemical variation, residue mobility, and thermodynamic stability) indicates that this missense variant is expected to disrupt LMNA protein function with a positive predictive value of 95%. In summary, the available evidence is currently insufficient to determine the role of this variant in disease. Therefore, it has been classified as a Variant of Uncertain Significance.

Molecular Diagnostic Laboratory for Inherited Cardiovascular Disease, Montreal Heart Institute
Classification: Uncertain significance for Cardiovascular phenotype. Last evaluated: 2025-04-09. Review status: criteria provided, single submitter. Criteria: ACMG Guidelines, 2015. Collection method: clinical testing. Allele origin: germline. Affected: yes.

North West Genomic Laboratory Hub, Manchester University NHS Foundation Trust
Classification: Likely pathogenic for Dilated and arrhythmogenic cardiomyopathy. Last evaluated: 2023-12-19. Review status: criteria provided, single submitter. Criteria: ACGS Best Practice Guidelines for Variant Classification in Rare Disease 2020. Collection method: clinical testing. Allele origin: germline. Affected: yes.
Comment: PS4_Supp PP3_Supp PM1_Supp PM2_Mod PP4_Supp

Ambry Genetics
Classification: Uncertain significance for Cardiovascular phenotype. Last evaluated: 2023-03-08. Review status: criteria provided, single submitter. Criteria: Ambry Variant Classification Scheme 2023. Collection method: clinical testing. Allele origin: germline.
Comment: The p.E105K variant (also known as c.313G>A), located in coding exon 1 of the LMNA gene, results from a G to A substitution at nucleotide position 313. The glutamic acid at codon 105 is replaced by lysine, an amino acid with similar properties. This amino acid position is highly conserved in available vertebrate species. In addition, this alteration is predicted to be deleterious by in silico analysis. Since supporting evidence is limited at this time, the clinical significance of this alteration remains unclear.